The following is an entry in ClinVar:

NM_001038.6(SCNN1A):c.1435T>C (p.Cys479Arg)

Gene: SCNN1A (sodium channel epithelial 1 subunit alpha; minus strand). Cytogenetic location: 12p13.31.
Variant type: single nucleotide variant.
Coding change: c.1435T>C on transcript NM_001038.6 (MANE Select); coding-DNA position 1435, T replaced by C.
Protein change: p.Cys479Arg; replaces cysteine 479 with arginine.
Molecular consequence: missense variant.
Genome position (GRCh38, 1-based): chr12:6,349,331, A>G on the plus strand (T>C on the coding strand, the complement: SCNN1A is on the minus strand). VCF-style: chr12-6349331-A-G. GRCh37 (hg19) VCF-style: chr12-6458497-A-G.
Other names: c.1504T>C, p.Cys502Arg (NM_001159575.2); c.1612T>C, p.Cys538Arg (NM_001159576.2); short protein forms C479R, C502R, C538R.
Identifiers: ClinVar variation 561216 (VCV000561216.8), dbSNP rs201873521, ClinGen allele CA6405873.

ClinVar aggregate classification (germline): Conflicting classifications of pathogenicity. Review status: criteria provided, conflicting classifications (1 of 4 stars). 4 submissions from 4 submitters: Likely pathogenic (2); Uncertain significance (1). 1 of the submissions does not count toward it. Last evaluated 2025-08-20.

Conditions:
Bronchiectasis with or without elevated sweat chloride 2 (BESC2). Identifiers: Orphanet 60033, MedGen C2751666, MONDO:0013087, OMIM 613021.
Liddle syndrome 3. Identifiers: MedGen C4748292, MONDO:0029132, OMIM 618126.
Pseudohypoaldosteronism, type IB1, autosomal recessive. Also called: Pseudohypoaldosteronism, Type I, Autosomal Recessive; Autosomal recessive pseudohypoaldosteronism type 1; PHA I, AUTOSOMAL RECESSIVE; Pseudohypoaldosteronism, Type I, Recessive. Identifiers: Orphanet 171876, Orphanet 756, MedGen C5774176, MONDO:0009917, OMIM 264350.

Allele frequency attached by ClinVar (database versions not stated): ExAC 0.00008; gnomAD exomes 0.00009 and 0.00012; TOPMed 0.00012; gnomAD 0.00015 and 0.00016.
gnomAD v4.1: 198 of 1,613,408 alleles (0.012%); highest among the groups gnomAD compares: Middle Eastern, 0.016%; no homozygotes.

Submissions (4):

First Genomix Gene Laboratory, Genetic Diagnostics Department
Classification: Likely pathogenic for Pseudohypoaldosteronism, type IB1, autosomal recessive. Last evaluated: 2025-08-20. Review status: criteria provided, single submitter. Criteria: ACMG Guidelines, 2015. Collection method: clinical testing. Allele origin: germline. Inheritance: Autosomal recessive inheritance. Affected: no. Observed: 1 variant allele.

Labcorp Genetics (formerly Invitae), Labcorp
Classification: Uncertain significance. Last evaluated: 2023-03-17. Review status: criteria provided, single submitter. Criteria: Invitae Variant Classification Sherloc (09022015). Collection method: clinical testing. Allele origin: germline.
Comment: In summary, the available evidence is currently insufficient to determine the role of this variant in disease. Therefore, it has been classified as a Variant of Uncertain Significance. Experimental studies have shown that this missense change affects SCNN1A function (PMID: 28710092). Advanced modeling of protein sequence and biophysical properties (such as structural, functional, and spatial information, amino acid conservation, physicochemical variation, residue mobility, and thermodynamic stability) performed at Invitae indicates that this missense variant is expected to disrupt SCNN1A protein function. ClinVar contains an entry for this variant (Variation ID: 561216). This missense change has been observed in individual(s) with Liddle syndrome (PMID: 28710092). This variant is present in population databases (rs201873521, gnomAD 0.02%). This sequence change replaces cysteine, which is neutral and slightly polar, with arginine, which is basic and polar, at codon 479 of the SCNN1A protein (p.Cys479Arg).

Fulgent Genetics
Classification: Likely pathogenic for Pseudohypoaldosteronism, type IB1, autosomal recessive; Bronchiectasis with or without elevated sweat chloride 2; Liddle syndrome 3. Last evaluated: 2022-05-04. Review status: criteria provided, single submitter. Criteria: ACMG Guidelines, 2015. Collection method: clinical testing. Allele origin: unknown.

OMIM
Classification: Pathogenic for LIDDLE SYNDROME 3. Last evaluated: 2023-12-11. Review status: no assertion criteria provided. Collection method: literature only. Allele origin: germline. Not counted in ClinVar's aggregate classification.

Literature cited by the submitters: PubMed 28710092 (cited by Labcorp Genetics (formerly Invitae), Labcorp); Salih, M., Gautschi, I., van Bemmelen, M. X., Di Benedetto, M., Brooks, A. S., Lugtenberg, D., Schild, L., Hoorn, E. J. A missense mutation in the extracellular domain of alpha-ENaC causes Liddle syndrome. J. Am. Soc. Nephrol. 28: 3291-3299, 2017. (cited by OMIM).